The following is an entry in ClinVar:

NM_002528.7(NTHL1):c.791+6A>G

Gene: NTHL1 (nth like DNA glycosylase 1; minus strand). Cytogenetic location: 16p13.3.
Variant type: single nucleotide variant.
Coding change: c.791+6A>G on transcript NM_002528.7 (MANE Select); 6 bases into the intron after coding-DNA position 791, A replaced by G.
Molecular consequence: intron variant.
Genome position (GRCh38, 1-based): chr16:2,040,127, T>C on the plus strand (A>G on the coding strand, the complement: NTHL1 is on the minus strand). VCF-style: chr16-2040127-T-C. GRCh37 (hg19) VCF-style: chr16-2090128-T-C.
Other names: c.461+6A>G (NM_001318194.2); c.620+6A>G (NM_001318193.2).
Identifiers: ClinVar variation 954645 (VCV000954645.1), dbSNP rs2084240987, ClinGen allele CA1139664233.

ClinVar aggregate classification (germline): Uncertain significance (1 of 4 stars; one submission).

Submission:

Labcorp Genetics (formerly Invitae), Labcorp
Classification: Uncertain significance. Last evaluated: 2019-07-09. Review status: criteria provided, single submitter. Criteria: Invitae Variant Classification Sherloc (09022015). Collection method: clinical testing. Allele origin: germline.
Comment: This sequence change falls in intron 5 of the NTHL1 gene. It does not directly change the encoded amino acid sequence of the NTHL1 protein, but it affects a nucleotide within the consensus splice site of the intron. This variant is not present in population databases (ExAC no frequency). This variant has not been reported in the literature in individuals with NTHL1-related conditions. Nucleotide substitutions within the consensus splice site are a relatively common cause of aberrant splicing (PMID: 17576681, 9536098). Algorithms developed to predict the effect of sequence changes on RNA splicing suggest that this variant is not likely to affect RNA splicing, but this prediction has not been confirmed by published transcriptional studies. In summary, the available evidence is currently insufficient to determine the role of this variant in disease. Therefore, it has been classified as a Variant of Uncertain Significance.